The following is an entry in ClinVar:

ClinVar aggregate classification (germline): Uncertain significance. Review status: criteria provided, multiple submitters, no conflicts (2 of 4 stars). 2 submissions from 2 submitters: Uncertain significance (2). Last evaluated 2025-09-25.

Conditions:
Long QT syndrome (LQTS). Identifiers: MedGen C0023976, MeSH D008133, MONDO:0002442. Disease mechanism: loss of function. Inheritance: Various modes of inheritance.
Cardiovascular phenotype. Identifiers: MedGen CN230736.

Allele frequency attached by ClinVar (database versions not stated): gnomAD exomes 0.00001.
gnomAD v4.1: 8 of 1,613,444 alleles (0.0005%); highest among the groups gnomAD compares: Non-Finnish European, 0.00068%; no homozygotes.

Submissions (2):

Ambry Genetics
Classification: Uncertain significance for Cardiovascular phenotype. Last evaluated: 2025-09-25. Review status: criteria provided, single submitter. Criteria: Ambry Variant Classification Scheme 2023. Collection method: clinical testing. Allele origin: germline.
Comment: The p.N2047K variant (also known as c.6141T>G), located in coding exon 38 of the ANK2 gene, results from a T to G substitution at nucleotide position 6141. The asparagine at codon 2047 is replaced by lysine, an amino acid with similar properties. This amino acid position is conserved. In addition, this alteration is predicted to be tolerated by in silico analysis. Based on the available evidence, the clinical significance of this variant remains unclear.

Labcorp Genetics (formerly Invitae), Labcorp
Classification: Uncertain significance for Long QT syndrome. Last evaluated: 2024-12-05. Review status: criteria provided, single submitter. Criteria: Invitae Variant Classification Sherloc (09022015). Collection method: clinical testing. Allele origin: germline.
Comment: This sequence change replaces asparagine, which is neutral and polar, with lysine, which is basic and polar, at codon 2047 of the ANK2 protein (p.Asn2047Lys). This variant is not present in population databases (gnomAD no frequency). This variant has not been reported in the literature in individuals affected with ANK2-related conditions. ClinVar contains an entry for this variant (Variation ID: 3018144). An algorithm developed to predict the effect of missense changes on protein structure and function (PolyPhen-2) suggests that this variant is likely to be tolerated. In summary, the available evidence is currently insufficient to determine the role of this variant in disease. Therefore, it has been classified as a Variant of Uncertain Significance.

NM_001148.6(ANK2):c.6141T>G (p.Asn2047Lys)

Genes: ANK2 (ankyrin 2; plus strand), LOC126807136 (MED14-independent group 3 enhancer GRCh37_chr4:114274931-114276130; plus strand). Cytogenetic location: 4q26.
Variant type: single nucleotide variant.
Coding change: c.6141T>G on transcript NM_001148.6 (MANE Select); coding-DNA position 6141, T replaced by G.
Protein change: p.Asn2047Lys; replaces asparagine 2047 with lysine.
Molecular consequence: missense variant. On other transcripts: intron variant (68).
Genome position (GRCh38, 1-based): chr4:113,354,759, T>G. VCF-style: chr4-113354759-T-G. GRCh37 (hg19) VCF-style: chr4-114275915-T-G.
Other names: c.5907T>G, p.Asn1969Lys (NM_001386142.1); c.2541T>G, p.Asn847Lys (NM_001386166.1); c.6282T>G, p.Asn2094Lys (NM_001386174.1); c.6258T>G, p.Asn2086Lys (NM_001386175.1); c.4411+4510T>G (NM_001386186.2, NM_001386148.2); c.4213+4510T>G (NM_001354269.3); c.4291+4510T>G (NM_001386187.2); c.4252+4510T>G (NM_001386147.1); and 35 more; short protein forms N2086K, N847K, N2094K, N1969K, N2047K.
Identifiers: ClinVar variation 3018144 (VCV003018144.4), dbSNP rs2505510954, ClinGen allele CA357922447.